The following is an entry in ClinVar:

ClinVar aggregate classification (germline): Uncertain significance (1 of 4 stars; one submission).

Submission:

Labcorp Genetics (formerly Invitae), Labcorp
Classification: Uncertain significance. Last evaluated: 2023-03-28. Review status: criteria provided, single submitter. Criteria: Invitae Variant Classification Sherloc (09022015). Collection method: clinical testing. Allele origin: germline.
Comment: In summary, the available evidence is currently insufficient to determine the role of this variant in disease. Therefore, it has been classified as a Variant of Uncertain Significance. An algorithm developed to predict the effect of missense changes on protein structure and function (PolyPhen-2) suggests that this variant is likely to be disruptive. This variant has not been reported in the literature in individuals affected with LTBP2-related conditions. This variant is not present in population databases (gnomAD no frequency). This sequence change replaces proline, which is neutral and non-polar, with arginine, which is basic and polar, at codon 3 of the LTBP2 protein (p.Pro3Arg).

NM_000428.3(LTBP2):c.8C>G (p.Pro3Arg)

Gene: LTBP2 (latent transforming growth factor beta binding protein 2; minus strand). Cytogenetic location: 14q24.3.
Variant type: single nucleotide variant.
Coding change: c.8C>G on transcript NM_000428.3 (MANE Select); coding-DNA position 8, C replaced by G.
Protein change: p.Pro3Arg; replaces proline 3 with arginine.
Molecular consequence: missense variant.
Genome position (GRCh38, 1-based): chr14:74,611,937, G>C on the plus strand (C>G on the coding strand, the complement: LTBP2 is on the minus strand). VCF-style: chr14-74611937-G-C. GRCh37 (hg19) VCF-style: chr14-75078640-G-C.
Other names: short protein forms P3R.
Identifiers: ClinVar variation 2838030 (VCV002838030.3), dbSNP rs747667029, ClinGen allele CA390389082.